The following is an entry in ClinVar:

ClinVar aggregate classification (germline): Uncertain significance (1 of 4 stars; one submission).

Conditions:
Developmental and epileptic encephalopathy, 51 (DEE51). Also called: Epileptic encephalopathy, early infantile, 51. Identifiers: MedGen C4479208, MONDO:0015025, OMIM 617339.

Submission:

Baylor Genetics
Classification: Uncertain significance for Developmental and epileptic encephalopathy, 51. Last evaluated: 2019-03-27. Review status: criteria provided, single submitter. Criteria: ACMG Guidelines, 2015. Collection method: clinical testing. Allele origin: maternal. Affected: yes.
Comment: This variant was determined to be of uncertain significance according to ACMG Guidelines, 2015 [PMID:25741868].

NM_005918.4(MDH2):c.4C>G (p.Leu2Val)

Gene: MDH2 (malate dehydrogenase 2; plus strand). Cytogenetic location: 7q11.23.
Variant type: single nucleotide variant.
Coding change: c.4C>G on transcript NM_005918.4 (MANE Select); coding-DNA position 4, C replaced by G.
Protein change: p.Leu2Val; replaces leucine 2 with valine.
Molecular consequence: missense variant. On other transcripts: 5 prime UTR variant (1), non-coding transcript variant (1).
Genome position (GRCh38, 1-based): chr7:76,048,164, C>G. VCF-style: chr7-76048164-C-G. GRCh37 (hg19) VCF-style: chr7-75677482-C-G.
Other names: c.4C>G, p.Leu2Val (NM_001282403.2); c.-149C>G (NM_001282404.2); short protein forms L2V.
Identifiers: ClinVar variation 1030036 (VCV001030036.1), dbSNP rs1797376152, ClinGen allele CA367760013.